The following is an entry in ClinVar:

NM_018979.4(WNK1):c.2669C>T (p.Thr890Ile)

Gene: WNK1 (WNK lysine deficient protein kinase 1; plus strand). Cytogenetic location: 12p13.33.
Variant type: single nucleotide variant.
Coding change: c.2669C>T on transcript NM_018979.4 (MANE Select); coding-DNA position 2669, C replaced by T.
Protein change: p.Thr890Ile; replaces threonine 890 with isoleucine.
Molecular consequence: missense variant. On other transcripts: intron variant (3).
Genome position (GRCh38, 1-based): chr12:879,868, C>T. VCF-style: chr12-879868-C-T. GRCh37 (hg19) VCF-style: chr12-989034-C-T.
Other names: c.3867+1507C>T (NM_213655.5); c.3613-853C>T (NM_001184985.2); c.2370+1507C>T (NM_014823.3); short protein forms T890I.
Identifiers: ClinVar variation 4979890 (VCV004979890.1).

ClinVar aggregate classification (germline): Uncertain significance (1 of 4 stars; one submission).

Conditions:
WNK1-related disorder. Also called: WNK1-related condition.

gnomAD v4.1: 12 of 1,614,188 alleles (0.00074%); highest among the groups gnomAD compares: Middle Eastern, 0.033%; no homozygotes.

Submission:

PreventionGenetics, part of Exact Sciences
Classification: Uncertain significance for WNK1-related condition. Last evaluated: 2025-07-16. Review status: criteria provided, single submitter. Criteria: ACMG Guidelines, 2015. Collection method: clinical testing. Allele origin: germline.
Comment: The WNK1 c.2669C>T variant is predicted to result in the amino acid substitution p.Thr890Ile. To our knowledge, this variant has not been reported in the literature. This variant is reported in 0.011% of alleles in individuals of East Asian descent in gnomAD. At this time, the clinical significance of this variant is uncertain due to the absence of conclusive functional and genetic evidence.